The following is an entry in ClinVar:

NM_206933.4(USH2A):c.9851G>A (p.Gly3284Glu)

Gene: USH2A (usherin; minus strand). Cytogenetic location: 1q41.
Variant type: single nucleotide variant.
Coding change: c.9851G>A on transcript NM_206933.4 (MANE Select); coding-DNA position 9851, G replaced by A.
Protein change: p.Gly3284Glu; replaces glycine 3284 with glutamic acid.
Molecular consequence: missense variant.
Genome position (GRCh38, 1-based): chr1:215,799,014, C>T on the plus strand (G>A on the coding strand, the complement: USH2A is on the minus strand). VCF-style: chr1-215799014-C-T. GRCh37 (hg19) VCF-style: chr1-215972356-C-T.
Other names: short protein forms G3284E.
Identifiers: ClinVar variation 1037127 (VCV001037127.6), dbSNP rs1043013730, ClinGen allele CA37448574.

ClinVar aggregate classification (germline): Uncertain significance. Review status: criteria provided, multiple submitters, no conflicts (2 of 4 stars). 5 submissions from 4 submitters: Uncertain significance (4). 1 of the submissions does not count toward it. Last evaluated 2023-11-04.

Conditions:
Retinitis pigmentosa 39 (RP39). Identifiers: Orphanet 791, MedGen C3151138, MONDO:0013436, OMIM 613809.
Usher syndrome type 2A. Also called: RETINAL DISEASE IN USHER SYNDROME TYPE IIA, MODIFIER OF; USHER SYNDROME, TYPE IIA. Identifiers: Orphanet 231178, Orphanet 886, MedGen C1848634, MONDO:0010169, OMIM 276901.

Allele frequency attached by ClinVar (database versions not stated): gnomAD exomes below 0.00001; TOPMed below 0.00001; gnomAD 0.00001.
gnomAD v4.1: 5 of 1,613,980 alleles (0.00031%); highest among the groups gnomAD compares: Admixed American, 0.0033%; no homozygotes.

Submissions (5):

Genome-Nilou Lab
Classification: Uncertain significance for Retinitis pigmentosa 39. Last evaluated: 2023-11-04. Review status: criteria provided, single submitter. Criteria: ACMG Guidelines, 2015. Collection method: clinical testing. Allele origin: germline. Affected: no.

Genome-Nilou Lab
Classification: Uncertain significance for Usher syndrome type 2A. Last evaluated: 2023-11-04. Review status: criteria provided, single submitter. Criteria: ACMG Guidelines, 2015. Collection method: clinical testing. Allele origin: germline. Affected: no.

Labcorp Genetics (formerly Invitae), Labcorp
Classification: Uncertain significance. Last evaluated: 2022-10-05. Review status: criteria provided, single submitter. Criteria: Invitae Variant Classification Sherloc (09022015). Collection method: clinical testing. Allele origin: germline.
Comment: This sequence change replaces glycine, which is neutral and non-polar, with glutamic acid, which is acidic and polar, at codon 3284 of the USH2A protein (p.Gly3284Glu). This variant is present in population databases (no rsID available, gnomAD 0.003%). This variant has not been reported in the literature in individuals affected with USH2A-related conditions. ClinVar contains an entry for this variant (Variation ID: 1037127). Advanced modeling of protein sequence and biophysical properties (such as structural, functional, and spatial information, amino acid conservation, physicochemical variation, residue mobility, and thermodynamic stability) performed at Invitae indicates that this missense variant is expected to disrupt USH2A protein function. In summary, the available evidence is currently insufficient to determine the role of this variant in disease. Therefore, it has been classified as a Variant of Uncertain Significance.

Ocular Genomics Institute, Massachusetts Eye and Ear
Classification: Uncertain significance for Retinitis pigmentosa 39. Last evaluated: 2021-04-08. Review status: criteria provided, single submitter. Criteria: ACMG Guidelines, 2015. Collection method: research. Allele origin: germline. Affected: yes.
Comment: Through a review of available evidence we were able to apply the following criteria: PM2. Based on this evidence we have classified this variant as Variant of Uncertain Significance.

Natera, Inc.
Classification: Uncertain significance for Usher syndrome type 2A. Last evaluated: 2020-05-21. Review status: no assertion criteria provided. Collection method: clinical testing. Allele origin: germline. Not counted in ClinVar's aggregate classification.